The following is an entry in ClinVar:

NM_006662.3(SRCAP):c.3233A>G (p.Asn1078Ser)

Gene: SRCAP (Snf2 related CREBBP activator protein; plus strand). Cytogenetic location: 16p11.2.
Variant type: single nucleotide variant.
Coding change: c.3233A>G on transcript NM_006662.3 (MANE Select); coding-DNA position 3233, A replaced by G.
Protein change: p.Asn1078Ser; replaces asparagine 1078 with serine.
Molecular consequence: missense variant.
Genome position (GRCh38, 1-based): chr16:30,720,958, A>G. VCF-style: chr16-30720958-A-G. GRCh37 (hg19) VCF-style: chr16-30732279-A-G.
Other names: short protein forms N1078S.
Identifiers: ClinVar variation 3169837 (VCV003169837.3), dbSNP rs1345649421, ClinGen allele CA395613574.
Genomic context (GRCh38, chr16:30,720,958, plus strand): 5'-CCCCGCTTATTCCTGCATCTCGGCCTCCTGGCCCTGTCCTCTTGCCTCCACTGCAGCCCA[A>G]CAGTGGTTCTCTCCCCCAGGGTGAGTTGAAAGGGAGCCAAGGATGATGCGTGGTGCTTCA-3'
Protein context (NP_006653.2, residues 1068-1088): GPVLLPPLQP[Asn1078Ser]SGSLPQVLPS

ClinVar aggregate classification (germline): Uncertain significance. Review status: criteria provided, multiple submitters, no conflicts (2 of 4 stars). 2 submissions from 2 submitters: Uncertain significance (2). Last evaluated 2024-10-08.

Conditions:
Inborn genetic diseases. Identifiers: MedGen C0950123, MeSH D030342.

Allele frequency attached by ClinVar (database versions not stated): TOPMed below 0.00001; gnomAD exomes 0.00001.
gnomAD v4.1: 8 of 1,609,270 alleles (0.0005%); highest among the groups gnomAD compares: Non-Finnish European, 0.00068%; no homozygotes.

Submissions (2):

Labcorp Genetics (formerly Invitae), Labcorp
Classification: Uncertain significance. Last evaluated: 2024-10-08. Review status: criteria provided, single submitter. Criteria: Invitae Variant Classification Sherloc (09022015). Collection method: clinical testing. Allele origin: germline.
Comment: This sequence change replaces asparagine, which is neutral and polar, with serine, which is neutral and polar, at codon 1078 of the SRCAP protein (p.Asn1078Ser). This variant is present in population databases (no rsID available, gnomAD 0.0009%). This variant has not been reported in the literature in individuals affected with SRCAP-related conditions. Invitae Evidence Modeling of protein sequence and biophysical properties (such as structural, functional, and spatial information, amino acid conservation, physicochemical variation, residue mobility, and thermodynamic stability) indicates that this missense variant is not expected to disrupt SRCAP protein function with a negative predictive value of 80%. In summary, the available evidence is currently insufficient to determine the role of this variant in disease. Therefore, it has been classified as a Variant of Uncertain Significance.

Ambry Genetics
Classification: Uncertain significance for Inborn genetic diseases. Last evaluated: 2023-10-05. Review status: criteria provided, single submitter. Criteria: Ambry Variant Classification Scheme 2023. Collection method: clinical testing. Allele origin: germline.